The following is an entry in ClinVar:

NM_000038.6(APC):c.5105G>A (p.Gly1702Glu)

Gene: APC (APC regulator of Wnt signaling pathway; plus strand). Cytogenetic location: 5q22.2.
Variant type: single nucleotide variant.
Coding change: c.5105G>A on transcript NM_000038.6 (MANE Select); coding-DNA position 5105, G replaced by A.
Protein change: p.Gly1702Glu; replaces glycine 1702 with glutamic acid.
Molecular consequence: missense variant.
Genome position (GRCh38, 1-based): chr5:112,840,699, G>A. VCF-style: chr5-112840699-G-A. GRCh37 (hg19) VCF-style: chr5-112176396-G-A.
Other names: c.5105G>A, p.Gly1702Glu (NM_001127510.3, NM_001354895.2); c.5051G>A, p.Gly1684Glu (NM_001127511.3); c.5159G>A, p.Gly1720Glu (NM_001354896.2); c.5135G>A, p.Gly1712Glu (NM_001354897.2); c.5030G>A, p.Gly1677Glu (NM_001354898.2); c.5021G>A, p.Gly1674Glu (NM_001354899.2); c.4982G>A, p.Gly1661Glu (NM_001354900.2); c.4928G>A, p.Gly1643Glu (NM_001354901.2); and 5 more; short protein forms G1684E, G1702E, G1542E, G1643E, G1712E, G1601E, G1611E, G1674E.
Identifiers: ClinVar variation 184169 (VCV000184169.39), dbSNP rs769273526, ClinGen allele CA009865.
Genomic context (GRCh38, chr5:112,840,699, plus strand): 5'-GTGAATTTGAAAAACGAGATACCATTCCTACAGAAGGCAGAAGTACAGATGAGGCTCAAG[G>A]AGGAAAAACCTCATCTGTAACCATACCTGAATTGGATGACAATAAAGCAGAGGAAGGTGA-3'
Protein context (NP_000029.2, residues 1692-1712): TEGRSTDEAQ[Gly1702Glu]GKTSSVTIPE

ClinVar aggregate classification (germline): Conflicting classifications of pathogenicity. Review status: criteria provided, conflicting classifications (1 of 4 stars). 11 submissions from 11 submitters: Uncertain significance (9); Likely benign (2). Last evaluated 2025-12-10.

Conditions:
Classic or attenuated familial adenomatous polyposis. Identifiers: MedGen CN372698, MONDO:0021057.
Hereditary cancer-predisposing syndrome. Also called: Tumor predisposition; Hereditary neoplastic syndrome; Neoplastic Syndromes, Hereditary; Hereditary Cancer Syndrome. Identifiers: Orphanet 140162, MedGen C0027672, MeSH D009386, MONDO:0015356.
Neoplasm of stomach. Also called: Neoplasm of the stomach; Gastric neoplasm; Stomach Neoplasms. Identifiers: MedGen C0038356, MONDO:0021085, HP:0006753. Disease mechanism: gain of function. Inheritance: Somatic mutation.
Familial adenomatous polyposis 1 (FAP1). Also called: FAMILIAL ADENOMATOUS POLYPOSIS 1, ATTENUATED; POLYPOSIS, ADENOMATOUS INTESTINAL. Identifiers: MedGen C2713442, MONDO:0021056, OMIM 175100. Disease mechanism: loss of function.
Hepatocellular carcinoma (HCC). Also called: Primary carcinoma of liver; HEPATOMA; LIVER CELL CARCINOMA. Identifiers: Orphanet 88673, MedGen C2239176, MONDO:0007256, OMIM 114550, HP:0001402.
Carcinoma of colon (CRC). Also called: Colonic carcinoma; Colon carcinoma. Identifiers: MedGen C0699790, MONDO:0002032.
Desmoid disease, hereditary (DESMD). Also called: FIBROMATOSIS, FAMILIAL INFILTRATIVE. Identifiers: Orphanet 873, MedGen C1851124, OMIM 135290. Disease mechanism: loss of function.

Allele frequency attached by ClinVar (database versions not stated): gnomAD exomes 0.00004; gnomAD 0.00001; ExAC 0.00004.
gnomAD v4.1: 58 of 1,614,046 alleles (0.0036%); highest among the groups gnomAD compares: East Asian, 0.0067%; no homozygotes.

Submissions (11):

Labcorp Genetics (formerly Invitae), Labcorp
Classification: Uncertain significance for Familial adenomatous polyposis 1. Last evaluated: 2025-12-10. Review status: criteria provided, single submitter. Criteria: Invitae Variant Classification Sherloc (09022015). Collection method: clinical testing. Allele origin: germline.
Comment: This sequence change replaces glycine, which is neutral and non-polar, with glutamic acid, which is acidic and polar, at codon 1702 of the APC protein (p.Gly1702Glu). This variant is present in population databases (rs769273526, gnomAD 0.02%). This missense change has been observed in individual(s) with breast and/or ovarian cancer (PMID: 32068069). ClinVar contains an entry for this variant (Variation ID: 184169). Invitae Evidence Modeling of protein sequence and biophysical properties (such as structural, functional, and spatial information, amino acid conservation, physicochemical variation, residue mobility, and thermodynamic stability) indicates that this missense variant is not expected to disrupt APC protein function with a negative predictive value of 95%. In summary, the available evidence is currently insufficient to determine the role of this variant in disease. Therefore, it has been classified as a Variant of Uncertain Significance.

Color Diagnostics, LLC DBA Color Health
Classification: Likely benign for Hereditary cancer-predisposing syndrome. Last evaluated: 2025-11-19. Review status: criteria provided, single submitter. Criteria: ACMG Guidelines, 2015. Collection method: clinical testing. Allele origin: germline.

Center for Genomic Medicine, Rigshospitalet, Copenhagen University Hospital
Classification: Uncertain significance. Last evaluated: 2025-03-04. Review status: criteria provided, single submitter. Criteria: ACMG Guidelines, 2015. Collection method: clinical testing. Allele origin: germline.

Quest Diagnostics Nichols Institute San Juan Capistrano
Classification: Uncertain significance. Last evaluated: 2024-08-20. Review status: criteria provided, single submitter. Criteria: Quest Diagnostics criteria. Collection method: clinical testing. Allele origin: unknown.
Comment: The APC c.5105G>A (p.Gly1702Glu) variant has been reported in the published literature in an individual with breast cancer (PMID: 32068069 (2020)). The frequency of this variant in the general population, 0.00016 (3/18352 chromosomes in East Asian subpopulation (Genome Aggregation Database)), is higher than would generally be expected for pathogenic variants in this gene. Analysis of this variant using bioinformatics tools for the prediction of the effect of amino acid changes on protein structure and function yielded predictions that this variant is benign. Based on the available information, we are unable to determine the clinical significance of this variant.

All of Us Research Program, National Institutes of Health
Classification: Uncertain significance for Classic or attenuated familial adenomatous polyposis. Last evaluated: 2024-03-05. Review status: criteria provided, single submitter. Criteria: ACMG Guidelines, 2015. Collection method: clinical testing. Allele origin: germline. Inheritance: Autosomal dominant inheritance. Observed: 3 variant alleles, 3 heterozygotes.
Comment: This missense variant replaces glycine with glutamic acid at codon 1702 of the APC protein. Computational prediction suggests that this variant may not impact protein structure and function (internally defined REVEL score threshold <= 0.5, PMID: 27666373). Splice site prediction tools suggest that this variant may not impact RNA splicing. To our knowledge, functional studies have not been performed for this variant. This variant has been reported in individuals affected with breast cancer (PMID: 32068069). This variant has been identified in 10/249546 chromosomes in the general population by the Genome Aggregation Database (gnomAD). The available evidence is insufficient to determine the role of this variant in disease conclusively. Therefore, this variant is classified as a Variant of Uncertain Significance.

This study involves interpretation of variants in research participants for the purpose of population health screening. Participant phenotype was not available at the time of variant classification. Additional details can be found in publication PMID: 35346344, PMCID: PMC8962531

Baylor Genetics
Classification: Uncertain significance for Familial adenomatous polyposis 1. Last evaluated: 2023-09-20. Review status: criteria provided, single submitter. Criteria: ACMG Guidelines, 2015. Collection method: clinical testing. Allele origin: unknown.

GeneDx
Classification: Uncertain significance. Last evaluated: 2023-02-21. Review status: criteria provided, single submitter. Criteria: GeneDx Variant Classification Process June 2021. Collection method: clinical testing. Allele origin: germline. Affected: yes.
Comment: In silico analysis supports that this missense variant does not alter protein structure/function; Has not been previously published as pathogenic or benign to our knowledge; This variant is associated with the following publications: (PMID: 18199528)

St. Jude Molecular Pathology, St. Jude Children's Research Hospital
Classification: Uncertain significance for Familial adenomatous polyposis 1. Last evaluated: 2022-12-06. Review status: criteria provided, single submitter. Criteria: St. Jude Assertion Criteria 2020. Collection method: clinical testing. Allele origin: germline.
Comment: The APC c.5105G>A (p.Gly1702Glu) missense change has a maximum subpopulation frequency of 0.016% in gnomAD v2.1.1. The in silico tool REVEL predicts a benign effect on protein function, but to our knowledge this prediction has not been confirmed by functional studies. To our knowledge, this variant has not been reported in individuals with APC-related familial adenomatous polyposis. In summary, the evidence currently available is insufficient to determine the clinical significance of this variant. It has therefore been classified as of uncertain significance.?

Ambry Genetics
Classification: Likely benign for Hereditary cancer-predisposing syndrome. Last evaluated: 2022-05-25. Review status: criteria provided, single submitter. Criteria: Ambry Variant Classification Scheme 2023. Collection method: clinical testing. Allele origin: germline.

Sema4
Classification: Uncertain significance for Hereditary cancer-predisposing syndrome. Last evaluated: 2021-05-05. Review status: criteria provided, single submitter. Criteria: Sema4 Curation Guidelines. Collection method: curation. Allele origin: germline.
Comment: The APC c.5105G>A (p.G1702E) variant has not been reported in individuals with APC-related disease to our knowledge. It was observed in 10/249546 chromosomes, with no homozygotes, in the large and broad cohorts of the Genome Aggregation Database. The variant has been reported in ClinVar (Variation ID 184169). This variant involves a weakly conserved amino acid, and computational analyses suggest that the variant does not impact the function of protein, however these predictions have not been confirmed by published functional studies. The evidence is insufficient to meet ACMG/AMP criteria for classifying the variant as benign or pathogenic. Thus, the clinical significance of this variant is currently uncertain.

Fulgent Genetics
Classification: Uncertain significance for Colorectal cancer; Hepatocellular carcinoma; Desmoid disease, hereditary; Familial adenomatous polyposis 1; Gastric cancer. Last evaluated: 2018-10-31. Review status: criteria provided, single submitter. Criteria: ACMG Guidelines, 2015. Collection method: clinical testing. Allele origin: unknown.

Literature cited by the submitters: PubMed 32068069 (cited by 3 submitters).